The following is an entry in ClinVar:

NM_000038.6(APC):c.1535_1540del (p.Asp512_Val513del)

Gene: APC (APC regulator of Wnt signaling pathway; plus strand). Cytogenetic location: 5q22.2.
Variant type: Deletion.
Coding change: c.1535_1540del on transcript NM_000038.6 (MANE Select); coding-DNA positions 1535 to 1540, 6 bases deleted (ATGTAG; older notation c.1535_1540delATGTAG).
Protein change: p.Asp512_Val513del.
Molecular consequence: inframe deletion.
Genome position (GRCh38, 1-based): chr5:112,827,234-112,827,239, ATGTAG deleted; deleting any 6 consecutive bases within chr5:112,827,232-112,827,239 gives the same sequence; the c. name uses the placement nearest the transcript's 3' end. VCF-style (leftmost placement, unchanged base first): chr5-112827231-GAGATGT-G. GRCh37 (hg19) VCF-style: chr5-112162928-GAGATGT-G.
Other names: c.1535_1540del, p.Asp512_Val513del (NM_001127510.3, NM_001354895.2, NM_001407450.1); c.1481_1486del, p.Asp494_Val495del (NM_001127511.3); c.1589_1594del, p.Asp530_Val531del (NM_001354896.2, NM_001407447.1, NM_001407448.1 and 1 more transcripts); c.1565_1570del, p.Asp522_Val523del (NM_001354897.2); c.1460_1465del, p.Asp487_Val488del (NM_001354898.2); c.1451_1456del, p.Asp484_Val485del (NM_001354899.2); c.1412_1417del, p.Asp471_Val472del (NM_001354900.2); c.1358_1363del, p.Asp453_Val454del (NM_001354901.2, NM_001407453.1); and 11 more.
Identifiers: ClinVar variation 2824848 (VCV002824848.3), dbSNP rs2533202561, ClinGen allele CA2739274979.

ClinVar aggregate classification (germline): Uncertain significance (1 of 4 stars; one submission).

Conditions:
Familial adenomatous polyposis 1 (FAP1). Also called: POLYPOSIS, ADENOMATOUS INTESTINAL; FAMILIAL ADENOMATOUS POLYPOSIS 1, ATTENUATED. Identifiers: MedGen C2713442, MONDO:0021056, OMIM 175100. Disease mechanism: loss of function.

Submission:

Labcorp Genetics (formerly Invitae), Labcorp
Classification: Uncertain significance for Familial adenomatous polyposis 1. Last evaluated: 2022-12-29. Review status: criteria provided, single submitter. Criteria: Invitae Variant Classification Sherloc (09022015). Collection method: clinical testing. Allele origin: germline.
Comment: This variant, c.1535_1540del, results in the deletion of 2 amino acid(s) of the APC protein (p.Asp512_Val513del), but otherwise preserves the integrity of the reading frame. This variant is not present in population databases (gnomAD no frequency). This variant has not been reported in the literature in individuals affected with APC-related conditions. Experimental studies and prediction algorithms are not available or were not evaluated, and the functional significance of this variant is currently unknown. In summary, the available evidence is currently insufficient to determine the role of this variant in disease. Therefore, it has been classified as a Variant of Uncertain Significance.